The following is an entry in ClinVar:

ClinVar aggregate classification (germline): Likely pathogenic (1 of 4 stars; one submission).

Conditions:
Autosomal recessive nonsyndromic hearing loss 3. Also called: NEUROSENSORY NONSYNDROMIC RECESSIVE DEAFNESS 3. Identifiers: Orphanet 90636, MedGen C1838263, MONDO:0010860, OMIM 600316.

Submission:

Victorian Clinical Genetics Services, Murdoch Childrens Research Institute
Classification: Likely pathogenic for Autosomal recessive nonsyndromic hearing loss 3. Last evaluated: 2018-07-31. Review status: criteria provided, single submitter. Criteria: ACMG Guidelines, 2015. Collection method: clinical testing. Allele origin: unknown. Affected: yes.
Comment: A heterozygous missense variant, NM_016239.3(MYO15A):c.8162C>A, has been identified in exon 45 of 66 of the MYO15A gene. The variant is predicted to result in a moderate amino acid change from threonine to lysine at position 2721 of the protein (NP_057323.3(MYO15A):p.(Thr2721Lys)). The threonine residue at this position has moderate conservation (100 vertebrates, UCSC), and is not located within any domains. In silico predictions for this variant are consistently pathogenic (Polyphen, SIFT, CADD, Mutation Taster). The variant is absent in population databases (gnomAD, dbSNP, 1000G), and has not been previously reported in clinical cases. Based on the information available at the time of curation, this variant has been classified as LIKELY PATHOGENIC.NB: This variant has been reclassified as likely pathogenic. The presence of these two variants in transconfirms acompound heterozygous mode of inheritance which is consistent with autosomal recessive deafness.

NM_016239.4(MYO15A):c.8162C>A (p.Thr2721Lys)

Gene: MYO15A (myosin XVA; plus strand). Cytogenetic location: 17p11.2.
Variant type: single nucleotide variant.
Coding change: c.8162C>A on transcript NM_016239.4 (MANE Select); coding-DNA position 8162, C replaced by A.
Protein change: p.Thr2721Lys; replaces threonine 2721 with lysine.
Molecular consequence: missense variant.
Genome position (GRCh38, 1-based): chr17:18,154,693, C>A. VCF-style: chr17-18154693-C-A. GRCh37 (hg19) VCF-style: chr17-18058007-C-A.
Other names: short protein forms T2721K.
Identifiers: ClinVar variation 869473 (VCV000869473.3), dbSNP rs1288328459, ClinGen allele CA398625560.